The following is an entry in ClinVar:

ClinVar aggregate classification (germline): Likely benign. Review status: criteria provided, single submitter (1 of 4 stars). 2 submissions from 2 submitters: Likely benign (1). 1 of the submissions does not count toward it. Last evaluated 2024-02-02.

Conditions:
CC2D1A-related disorder. Also called: CC2D1A-related condition.

Allele frequency attached by ClinVar (database versions not stated): gnomAD exomes 0.00001; ExAC 0.00004; gnomAD 0.00006; TOPMed 0.00006.
gnomAD v4.1: 30 of 1,569,690 alleles (0.0019%); highest among the groups gnomAD compares: African/African-American, 0.016%; no homozygotes.

Submissions (2):

Labcorp Genetics (formerly Invitae), Labcorp
Classification: Likely benign. Last evaluated: 2024-02-02. Review status: criteria provided, single submitter. Criteria: Invitae Variant Classification Sherloc (09022015). Collection method: clinical testing. Allele origin: germline.

PreventionGenetics, part of Exact Sciences
Classification: Likely benign for CC2D1A-related condition. Last evaluated: 2019-05-09. Review status: no assertion criteria provided. Collection method: clinical testing. Allele origin: germline. Not counted in ClinVar's aggregate classification.
Comment: This variant is classified as likely benign based on ACMG/AMP sequence variant interpretation guidelines (Richards et al. 2015 PMID: 25741868, with internal and published modifications).

NM_017721.5(CC2D1A):c.120C>T (p.Asn40=)

Gene: CC2D1A (coiled-coil and C2 domain containing 1A; plus strand). Cytogenetic location: 19p13.12.
Variant type: single nucleotide variant.
Coding change: c.120C>T on transcript NM_017721.5 (MANE Select); coding-DNA position 120, C replaced by T.
Protein change: p.Asn40=; no amino-acid change (asparagine 40 retained).
Molecular consequence: synonymous variant.
Genome position (GRCh38, 1-based): chr19:13,909,882, C>T. VCF-style: chr19-13909882-C-T. GRCh37 (hg19) VCF-style: chr19-14020695-C-T.
Other names: c.120C>T (NM_017721.4); c.120C>T, p.Asn40= (NM_001411138.1).
Identifiers: ClinVar variation 2716566 (VCV002716566.4), dbSNP rs747892591, ClinGen allele CA9244178.